The following is an entry in ClinVar:

NM_000503.6(EYA1):c.133_149del (p.Thr44_Glu45insTer)

Gene: EYA1 (EYA transcriptional coactivator and phosphatase 1; minus strand). Cytogenetic location: 8q13.3.
Variant type: Deletion.
Coding change: c.133_149del on transcript NM_000503.6 (MANE Select); coding-DNA positions 133 to 149, 17 bases deleted (GAGCCAATGAGCAGCAG).
Protein change: p.Thr44_Glu45insTer.
Molecular consequence: nonsense. On other transcripts: 5 prime UTR variant (1).
Genome position (GRCh38, 1-based): chr8:71,334,150-71,334,166, CTGCTGCTCATTGGCTC deleted on the plus strand (GAGCCAATGAGCAGCAG on the coding strand, the reverse complement: EYA1 is on the minus strand). VCF-style (leftmost placement, unchanged base first): chr8-71334149-ACTGCTGCTCATTGGCTC-A. GRCh37 (hg19) VCF-style: chr8-72246384-ACTGCTGCTCATTGGCTC-A.
Other names: c.133_149del, p.Thr44_Glu45insTer (NM_001288574.2, NM_001370334.1, NM_001370335.1 and 1 more transcripts); c.-152_-136del (NM_001288575.2); c.220_236del, p.Thr73_Glu74insTer (NM_001370333.1, NM_001370336.1, NM_172059.5); c.34_50del, p.Thr11_Glu12insTer (NM_001411797.1, NM_172060.4).
Identifiers: ClinVar variation 2633337 (VCV002633337.1), dbSNP rs1824209270, ClinGen allele CA1792739713.

ClinVar aggregate classification (germline): Uncertain significance (1 of 4 stars; one submission).

Conditions:
EYA1-related disorder. Also called: EYA1-related condition.

Submission:

PreventionGenetics, part of Exact Sciences
Classification: Uncertain significance for EYA1-related condition. Last evaluated: 2023-06-20. Review status: criteria provided, single submitter. Criteria: ACMG Guidelines, 2015. Collection method: clinical testing. Allele origin: germline.
Comment: The EYA1 c.133_149del17 variant is predicted to result in premature protein termination (p.Glu45*). To our knowledge, this variant has not been reported in the literature or in a large population database, indicating this variant is rare. Nonsense variants downstream of this position in EYA1 have been frequently reported in individuals with Branchio-oto-renal syndrome (see, for example, Orten et al. 2008. PubMed ID: 18220287). However to our knowledge, truncating variants upstream of this position have not been reported in the literature. A truncating variant near this position has been reported in gnomAD within a control cohort, suggesting that frameshift variants occurring this early in the protein may not be associated with disease (see gnomAD). Taken together, while we suspect that this variant could be pathogenic, at this time we interpret its clinical significance as uncertain due to the absence of conclusive functional and genetic evidence.